The following is an entry in ClinVar:

NM_207037.2(TCF12):c.1094G>A (p.Gly365Glu)

Gene: TCF12 (transcription factor 12; plus strand). Cytogenetic location: 15q21.3.
Variant type: single nucleotide variant.
Coding change: c.1094G>A on transcript NM_207037.2 (MANE Select); coding-DNA position 1094, G replaced by A.
Protein change: p.Gly365Glu; replaces glycine 365 with glutamic acid.
Molecular consequence: missense variant.
Genome position (GRCh38, 1-based): chr15:57,243,530, G>A. VCF-style: chr15-57243530-G-A. GRCh37 (hg19) VCF-style: chr15-57535728-G-A.
Other names: c.584G>A, p.Gly195Glu (NM_001306219.3, NM_207040.2); c.386G>A, p.Gly129Glu (NM_001306220.3); c.1094G>A, p.Gly365Glu (NM_001322151.2, NM_001322152.2, NM_001322157.3 and 7 more transcripts); c.437G>A, p.Gly146Glu (NM_001322154.2); c.920G>A, p.Gly307Glu (NM_001322156.2, NM_001322158.2); c.1130G>A, p.Gly377Glu (NM_001322164.2); short protein forms G129E, G146E, G195E, G307E, G365E, G377E.
Identifiers: ClinVar variation 3343948 (VCV003343948.1).

ClinVar aggregate classification (germline): Uncertain significance (1 of 4 stars; one submission).

gnomAD v4.1: 3 of 1,613,770 alleles (0.00019%); highest among the groups gnomAD compares: African/African-American, 0.004%; no homozygotes.

Submission:

GeneDx
Classification: Uncertain significance. Last evaluated: 2023-09-08. Review status: criteria provided, single submitter. Criteria: GeneDx Variant Classification Process June 2021. Collection method: clinical testing. Allele origin: germline. Affected: yes.
Comment: Identified in an individual with a neurodevelopmental disorder, but segregation and detailed clinical information was not provided (Wang et al., 2020); In silico analysis supports that this missense variant has a deleterious effect on protein structure/function; Not observed at significant frequency in large population cohorts (gnomAD); This variant is associated with the following publications: (PMID: 33004838)